The following is an entry in ClinVar:

ClinVar aggregate classification (germline): Pathogenic (1 of 4 stars; one submission).

Conditions:
Nephronophthisis. Also called: Juvenile Nephronophthisis. Identifiers: Orphanet 655, MedGen C0687120, MONDO:0019005, HP:0000090.

Allele frequency attached by ClinVar (database versions not stated): ExAC 0.00001; ESP Exome Variant Server 0.00008.

Submission:

Labcorp Genetics (formerly Invitae), Labcorp
Classification: Pathogenic for Nephronophthisis. Last evaluated: 2022-08-20. Review status: criteria provided, single submitter. Criteria: Invitae Variant Classification Sherloc (09022015). Collection method: clinical testing. Allele origin: germline.
Comment: This sequence change creates a premature translational stop signal (p.Gln504*) in the IQCB1 gene. It is expected to result in an absent or disrupted protein product. Loss-of-function variants in IQCB1 are known to be pathogenic (PMID: 15723066, 21901789, 23559409, 28041643). This variant is present in population databases (rs369936231, gnomAD 0.007%). This variant has not been reported in the literature in individuals affected with IQCB1-related conditions. For these reasons, this variant has been classified as Pathogenic.

Literature cited by the submitters: PubMed 15723066; PubMed 21901789; PubMed 23559409; PubMed 28041643.

NM_001023570.4(IQCB1):c.1510C>T (p.Gln504Ter)

Gene: IQCB1 (IQ motif containing B1; minus strand). Cytogenetic location: 3q13.33.
Variant type: single nucleotide variant.
Coding change: c.1510C>T on transcript NM_001023570.4 (MANE Select); coding-DNA position 1510, C replaced by T.
Protein change: p.Gln504Ter; replaces glutamine 504 with a stop codon.
Molecular consequence: nonsense. On other transcripts: non-coding transcript variant (1).
Genome position (GRCh38, 1-based): chr3:121,772,614, G>A on the plus strand (C>T on the coding strand, the complement: IQCB1 is on the minus strand). VCF-style: chr3-121772614-G-A. GRCh37 (hg19) VCF-style: chr3-121491461-G-A.
Other names: c.1111C>T, p.Gln371Ter (NM_001023571.4); c.1510C>T, p.Gln504Ter (NM_001319107.2); short protein forms Q371*, Q504*.
Identifiers: ClinVar variation 2025068 (VCV002025068.5), dbSNP rs369936231, ClinGen allele CA2567076.
Genomic context (GRCh38, chr3:121,772,614, plus strand): 5'-TACTCATTAGCTGTTCAACGTTGGTGCTGATCTGTGCTATCAGAGCTTCTCTGTGCTGCT[G>A]GGCTCGCTCTTCTAGGGCCCTGCCCATAAAGTAGTGTTGCAGTCGTTCTTGAGCTTGGGC-3'